The following is an entry in ClinVar:

ClinVar aggregate classification (germline): Uncertain significance (1 of 4 stars; one submission).

Conditions:
Intellectual developmental disorder, X-linked 1. Also called: Atkin Flaitz Patil Smith syndrome; MENTAL RETARDATION, X-LINKED 18; MENTAL RETARDATION, X-LINKED 78; Intellectual disability, X-linked 1. Identifiers: Orphanet 777, MedGen C2931498, MONDO:0010656, OMIM 309530.

Submission:

Labcorp Genetics (formerly Invitae), Labcorp
Classification: Uncertain significance for Intellectual developmental disorder, X-linked 1. Last evaluated: 2025-06-12. Review status: criteria provided, single submitter. Criteria: Invitae Variant Classification Sherloc (09022015). Collection method: clinical testing. Allele origin: germline.
Comment: This sequence change replaces lysine, which is basic and polar, with asparagine, which is neutral and polar, at codon 852 of the IQSEC2 protein (p.Lys852Asn). This variant is not present in population databases (gnomAD no frequency). This variant has not been reported in the literature in individuals affected with IQSEC2-related conditions. ClinVar contains an entry for this variant (Variation ID: 3634900). Invitae Evidence Modeling of protein sequence and biophysical properties (such as structural, functional, and spatial information, amino acid conservation, physicochemical variation, residue mobility, and thermodynamic stability) has been performed for this missense variant. However, the output from this modeling did not meet the statistical confidence thresholds required to predict the impact of this variant on IQSEC2 protein function. In summary, the available evidence is currently insufficient to determine the role of this variant in disease. Therefore, it has been classified as a Variant of Uncertain Significance.

NM_001111125.3(IQSEC2):c.2556A>C (p.Lys852Asn)

Gene: IQSEC2 (IQ motif and Sec7 domain ArfGEF 2; minus strand). Cytogenetic location: Xp11.22.
Variant type: single nucleotide variant.
Coding change: c.2556A>C on transcript NM_001111125.3 (MANE Select); coding-DNA position 2556, A replaced by C.
Protein change: p.Lys852Asn; replaces lysine 852 with asparagine.
Molecular consequence: missense variant.
Genome position (GRCh38, 1-based): chrX:53,248,140, T>G on the plus strand (A>C on the coding strand, the complement: IQSEC2 is on the minus strand). VCF-style: chrX-53248140-T-G. GRCh37 (hg19) VCF-style: chrX-53277322-T-G.
Other names: c.1941A>C, p.Lys647Asn (NM_015075.2); c.2556A>C, p.Lys852Asn (NM_001410736.1); short protein forms K647N, K852N.
Identifiers: ClinVar variation 3634900 (VCV003634900.2).